The following is an entry in ClinVar:

ClinVar aggregate classification (germline): Conflicting classifications of pathogenicity. Review status: criteria provided, conflicting classifications (1 of 4 stars). 11 submissions from 11 submitters: Uncertain significance (7); Likely benign (1). 3 of the submissions do not count toward it. Last evaluated 2025-08-17.

Conditions:
BRCA2-related cancer predisposition. Identifiers: MedGen CN377758, MONDO:0700269.
Hereditary cancer-predisposing syndrome. Also called: Tumor predisposition; Neoplastic Syndromes, Hereditary; Hereditary neoplastic syndrome; Hereditary Cancer Syndrome. Identifiers: Orphanet 140162, MedGen C0027672, MeSH D009386, MONDO:0015356.
Hereditary breast ovarian cancer syndrome. Also called: Hereditary breast and ovarian cancer; Hereditary breast and ovarian cancer syndrome (HBOC); Hereditary breast and/or ovarian cancer syndrome; Breast and ovarian cancer; Hereditary breast and ovarian cancer syndrome; BRCA1- and BRCA2-Associated Hereditary Breast and Ovarian Cancer. Identifiers: Orphanet 145, MedGen C0677776, MeSH D061325, MONDO:0003582. Disease mechanism: loss of function.
Pancreatic cancer, susceptibility to, 2. Identifiers: Orphanet 1333, MedGen C3150546, MONDO:0013235, OMIM 613347.
Breast-ovarian cancer, familial, susceptibility to, 2 (BROVCA2). Also called: BRCA2 Hereditary Breast and Ovarian Cancer. Identifiers: Orphanet 145, MedGen C2675520, MONDO:0012933, OMIM 612555. Disease mechanism: loss of function.

Allele frequency attached by ClinVar (database versions not stated): gnomAD exomes below 0.00001; ExAC 0.00001; TOPMed 0.00002; gnomAD 0.00003.
gnomAD v4.1: 5 of 1,592,744 alleles (0.00031%); highest among the groups gnomAD compares: African/African-American, 0.0054%; no homozygotes.

Submissions (11):

Labcorp Genetics (formerly Invitae), Labcorp
Classification: Uncertain significance for Hereditary breast ovarian cancer syndrome. Last evaluated: 2025-08-17. Review status: criteria provided, single submitter. Criteria: Invitae Variant Classification Sherloc (09022015). Collection method: clinical testing. Allele origin: germline.
Comment: This sequence change replaces serine, which is neutral and polar, with cysteine, which is neutral and slightly polar, at codon 1722 of the BRCA2 protein (p.Ser1722Cys). This variant is present in population databases (rs80358741, gnomAD 0.007%). This missense change has been observed in individual(s) with osteosarcoma (PMID: 26580448). ClinVar contains an entry for this variant (Variation ID: 37948). Invitae Evidence Modeling of protein sequence and biophysical properties (such as structural, functional, and spatial information, amino acid conservation, physicochemical variation, residue mobility, and thermodynamic stability) indicates that this missense variant is not expected to disrupt BRCA2 protein function with a negative predictive value of 95%. In summary, the available evidence is currently insufficient to determine the role of this variant in disease. Therefore, it has been classified as a Variant of Uncertain Significance.

All of Us Research Program, National Institutes of Health
Classification: Uncertain significance for BRCA2-related cancer predisposition. Last evaluated: 2024-05-30. Review status: criteria provided, single submitter. Criteria: ACMG Guidelines, 2015. Collection method: clinical testing. Allele origin: germline. Inheritance: Autosomal dominant inheritance. Observed: 2 variant alleles, 2 heterozygotes.
Comment: This missense variant replaces serine with cysteine at codon 1722 of the BRCA2 protein. Computational prediction suggests that this variant may not impact protein structure and function (internally defined REVEL score threshold <= 0.5, PMID: 27666373). To our knowledge, functional studies have not been reported for this variant. This variant has not been reported in individuals affected with hereditary cancer in the literature. This variant has been identified in 1/233676 chromosomes in the general population by the Genome Aggregation Database (gnomAD). The available evidence is insufficient to determine the role of this variant in disease conclusively. Therefore, this variant is classified as a Variant of Uncertain Significance.

This study involves interpretation of variants in research participants for the purpose of population health screening. Participant phenotype was not available at the time of variant classification. Additional details can be found in publication PMID: 35346344, PMCID: PMC8962531

Color Diagnostics, LLC DBA Color Health
Classification: Uncertain significance for Hereditary cancer-predisposing syndrome. Last evaluated: 2024-02-05. Review status: criteria provided, single submitter. Criteria: ACMG Guidelines, 2015. Collection method: clinical testing. Allele origin: germline.
Comment: This missense variant replaces serine with cysteine at codon 1722 of the BRCA2 protein. Computational prediction suggests that this variant may not impact protein structure and function. To our knowledge, functional studies have not been reported for this variant. This variant has been reported in an individual affected with osteosarcoma (PMID: 26580448). This variant has been identified in 1/233676 chromosomes in the general population by the Genome Aggregation Database (gnomAD). The available evidence is insufficient to determine the role of this variant in disease conclusively. Therefore, this variant is classified as a Variant of Uncertain Significance.

Ambry Genetics
Classification: Uncertain significance for Hereditary cancer-predisposing syndrome. Last evaluated: 2023-10-22. Review status: criteria provided, single submitter. Criteria: Ambry Variant Classification Scheme 2023. Collection method: clinical testing. Allele origin: germline.
Comment: The p.S1722C variant (also known as c.5164A>T), located in coding exon 10 of the BRCA2 gene, results from an A to T substitution at nucleotide position 5164. The serine at codon 1722 is replaced by cysteine, an amino acid with dissimilar properties. This variant has been reported in 1/1120 pediatric cancer patients who underwent whole genome sequencing and/or whole exome sequencing; this patient was diagnosed with an osteosarcoma (Zhang J et al. N Engl J Med, 2015 Dec;373:2336-2346). This amino acid position is not well conserved in available vertebrate species. In addition, this alteration is predicted to be tolerated by in silico analysis. Since supporting evidence is limited at this time, the clinical significance of this alteration remains unclear.

University of Washington Department of Laboratory Medicine, University of Washington
Classification: Likely benign for Hereditary cancer-predisposing syndrome. Last evaluated: 2023-03-23. Review status: criteria provided, single submitter. Criteria: Dines et al. (Genet Med. 2020). Collection method: curation. Allele origin: germline.
Comment: Missense variant in a coldspot region where missense variants are very unlikely to be pathogenic (PMID:31911673).

BRCA2 exon 11 coldspot. Reclassification based on statistical prior probability.

Mendelics
Classification: Uncertain significance. Last evaluated: 2022-05-04. Review status: criteria provided, single submitter. Criteria: Mendelics Assertion Criteria 2019. Collection method: clinical testing. Allele origin: germline.

Baylor Genetics
Classification: Uncertain significance for Pancreatic cancer, susceptibility to, 2. Last evaluated: 2021-05-25. Review status: criteria provided, single submitter. Criteria: ACMG Guidelines, 2015. Collection method: clinical testing. Allele origin: maternal. Affected: yes. Study: CSER-TexasKidsCanSeq.
Comment: This variant was determined to be of uncertain significance according to ACMG Guidelines, 2015 [PMID:25741868].

Quest Diagnostics Nichols Institute San Juan Capistrano
Classification: Uncertain significance. Last evaluated: 2021-03-15. Review status: criteria provided, single submitter. Criteria: Quest Diagnostics criteria. Collection method: clinical testing. Allele origin: unknown.

Counsyl
Classification: Uncertain significance for Breast-ovarian cancer, familial, susceptibility to, 2. Last evaluated: 2017-04-25. Review status: no assertion criteria provided. Collection method: clinical testing. Allele origin: unknown. Not counted in ClinVar's aggregate classification.

Sharing Clinical Reports Project (SCRP)
Classification: Uncertain significance for Breast-ovarian cancer, familial 2. Last evaluated: 2012-09-10. Review status: no assertion criteria provided. Collection method: clinical testing. Allele origin: germline. Not counted in ClinVar's aggregate classification.

Breast Cancer Information Core (BIC) (BRCA2)
Classification: Uncertain significance for Breast-ovarian cancer, familial 2. Last evaluated: 2003-12-23. Review status: no assertion criteria provided. Collection method: clinical testing. Allele origin: germline. Affected: yes. Observed: 1 variant allele. Not counted in ClinVar's aggregate classification.

Literature cited by the submitters: PubMed 26580448 (cited by 5 submitters).

NM_000059.4(BRCA2):c.5164A>T (p.Ser1722Cys)

Gene: BRCA2 (BRCA2 DNA repair associated; plus strand). Cytogenetic location: 13q13.1.
Variant type: single nucleotide variant.
Coding change: c.5164A>T on transcript NM_000059.4 (MANE Select); coding-DNA position 5164, A replaced by T.
Protein change: p.Ser1722Cys; replaces serine 1722 with cysteine.
Molecular consequence: missense variant.
Genome position (GRCh38, 1-based): chr13:32,339,519, A>T. VCF-style: chr13-32339519-A-T. GRCh37 (hg19) VCF-style: chr13-32913656-A-T.
Other names: 5392A>T; short protein forms S1722C.
Identifiers: ClinVar variation 37948 (VCV000037948.23), dbSNP rs80358741, ClinGen allele CA021504.